The following is an entry in ClinVar:

ClinVar aggregate classification (germline): Uncertain significance (1 of 4 stars; one submission).

Submission:

GeneDx
Classification: Uncertain significance. Last evaluated: 2019-04-26. Review status: criteria provided, single submitter. Criteria: GeneDx Variant Classification Process June 2021. Collection method: clinical testing. Allele origin: germline. Affected: yes.
Comment: Not observed in large population cohorts (Lek et al., 2016); In silico analysis, which includes protein predictors and evolutionary conservation, supports that this variant does not alter protein structure/function; Has not been previously published as pathogenic or benign to our knowledge

NM_003482.4(KMT2D):c.14740C>A (p.Pro4914Thr)

Gene: KMT2D (lysine methyltransferase 2D; minus strand). Cytogenetic location: 12q13.12.
Variant type: single nucleotide variant.
Coding change: c.14740C>A on transcript NM_003482.4 (MANE Select); coding-DNA position 14740, C replaced by A.
Protein change: p.Pro4914Thr; replaces proline 4914 with threonine.
Molecular consequence: missense variant.
Genome position (GRCh38, 1-based): chr12:49,027,226, G>T on the plus strand (C>A on the coding strand, the complement: KMT2D is on the minus strand). VCF-style: chr12-49027226-G-T. GRCh37 (hg19) VCF-style: chr12-49421009-G-T.
Other names: short protein forms P4914T.
Identifiers: ClinVar variation 1302694 (VCV001302694.2), dbSNP rs750101930, ClinGen allele CA384691986.